The following is an entry in ClinVar:

ClinVar aggregate classification (germline): Likely pathogenic (1 of 4 stars; one submission).

Conditions:
Autosomal recessive limb-girdle muscular dystrophy. Identifiers: Orphanet 102015, MedGen C2931907, MONDO:0015152.

Submission:

Myriad Genetics, Inc.
Classification: Likely pathogenic for Autosomal recessive limb-girdle muscular dystrophy. Last evaluated: 2022-01-24. Review status: criteria provided, single submitter. Criteria: Myriad Autosomal Dominant, Autosomal Recessive and X-Linked Classification Criteria (2023). Collection method: clinical testing. Allele origin: unknown.
Comment: NM_003494.3(DYSF):c.5944delG(A1982Rfs*6) is expected to be pathogenic in the context of dysferlinopathy. This variant is predicted to lead to an abnormal or absent protein product due to the creation of a premature termination codon in DYSF, a gene where loss-of-function variants are known to be pathogenic. Please note: this variant was assessed in the context of healthy population screening.

NM_001130987.2(DYSF):c.6061del (p.Ala2021fs)

Gene: DYSF (dysferlin; plus strand). Cytogenetic location: 2p13.2.
Variant type: Deletion.
Coding change: c.6061del on transcript NM_001130987.2 (MANE Select); coding-DNA position 6061, one base deleted (G; older notation c.6061delG).
Protein change: p.Ala2021fs; shifts the reading frame from alanine 2021.
Molecular consequence: frameshift variant.
Genome position (GRCh38, 1-based): chr2:71,679,233, G deleted; the last of 2 consecutive G bases (chr2:71,679,232-71,679,233); deleting either gives the same sequence. VCF-style (leftmost placement, unchanged base first): chr2-71679231-TG-T. GRCh37 (hg19) VCF-style: chr2-71906361-TG-T.
Other names: c.5947del, p.Ala1983fs (NM_001130455.2); c.5902del, p.Ala1968fs (NM_001130976.2); c.5965del, p.Ala1989fs (NM_001130977.2); c.6007del, p.Ala2003fs (NM_001130978.2); c.6037del, p.Ala2013fs (NM_001130979.2); c.5995del, p.Ala1999fs (NM_001130980.2); c.6058del, p.Ala2020fs (NM_001130981.2); c.6040del, p.Ala2014fs (NM_001130982.2); and 5 more; short protein forms A1968fs, A1969fs, A1982fs, A1983fs, A1989fs, A1990fs, A1999fs, A2000fs.
Identifiers: ClinVar variation 1724071 (VCV001724071.3), dbSNP rs2546634674, ClinGen allele CA2580067948.